The following is an entry in ClinVar:

ClinVar aggregate classification (germline): Benign (1 of 4 stars; one submission).

Allele frequency attached by ClinVar (database versions not stated): 1000 Genomes Project 30x 0.77467; gnomAD 0.75391 and 0.75522; TOPMed 0.76338; 1000 Genomes Project 0.77057.
gnomAD v4.1: 114,616 of 152,134 alleles (75%); highest among the groups gnomAD compares: African/African-American, 86%; 43,727 homozygotes.

Submission:

GeneDx
Classification: Benign. Last evaluated: 2018-06-19. Review status: criteria provided, single submitter. Criteria: GeneDx Variant Classification (06012015). Collection method: clinical testing. Allele origin: germline. Affected: yes.
Comment: This variant is considered likely benign or benign based on one or more of the following criteria: it is a conservative change, it occurs at a poorly conserved position in the protein, it is predicted to be benign by multiple in silico algorithms, and/or has population frequency not consistent with disease.

NM_005045.4(RELN):c.3913-266T>G

Gene: RELN (reelin; minus strand). Cytogenetic location: 7q22.1.
Variant type: single nucleotide variant.
Coding change: c.3913-266T>G on transcript NM_005045.4 (MANE Select); 266 bases into the intron before coding-DNA position 3913, T replaced by G.
Molecular consequence: intron variant.
Genome position (GRCh38, 1-based): chr7:103,590,094, A>C on the plus strand (T>G on the coding strand, the complement: RELN is on the minus strand). VCF-style: chr7-103590094-A-C. GRCh37 (hg19) VCF-style: chr7-103230541-A-C.
Other names: c.3913-266T>G (NM_173054.3).
Identifiers: ClinVar variation 684067 (VCV000684067.1), dbSNP rs362658, ClinGen allele CA15485564.